The following is an entry in ClinVar:

ClinVar aggregate classification (germline): Uncertain significance (1 of 4 stars; one submission).

Submission:

Labcorp Genetics (formerly Invitae), Labcorp
Classification: Uncertain significance. Last evaluated: 2021-09-21. Review status: criteria provided, single submitter. Criteria: Invitae Variant Classification Sherloc (09022015). Collection method: clinical testing. Allele origin: germline.
Comment: This sequence change replaces isoleucine with phenylalanine at codon 383 of the TGFB1 protein (p.Ile383Phe). The isoleucine residue is moderately conserved and there is a small physicochemical difference between isoleucine and phenylalanine. In summary, the available evidence is currently insufficient to determine the role of this variant in disease. Therefore, it has been classified as a Variant of Uncertain Significance. Algorithms developed to predict the effect of missense changes on protein structure and function are either unavailable or do not agree on the potential impact of this missense change (SIFT: "Tolerated"; PolyPhen-2: "Probably Damaging"; Align-GVGD: "Class C0"). This variant has not been reported in the literature in individuals affected with TGFB1-related conditions. This variant is not present in population databases (ExAC no frequency).

NM_000660.7(TGFB1):c.1147A>T (p.Ile383Phe)

Gene: TGFB1 (transforming growth factor beta 1; minus strand). Cytogenetic location: 19q13.2.
Variant type: single nucleotide variant.
Coding change: c.1147A>T on transcript NM_000660.7 (MANE Select); coding-DNA position 1147, A replaced by T.
Protein change: p.Ile383Phe; replaces isoleucine 383 with phenylalanine.
Molecular consequence: missense variant.
Genome position (GRCh38, 1-based): chr19:41,331,078, T>A on the plus strand (A>T on the coding strand, the complement: TGFB1 is on the minus strand). VCF-style: chr19-41331078-T-A. GRCh37 (hg19) VCF-style: chr19-41836983-T-A.
Other names: short protein forms I383F.
Identifiers: ClinVar variation 1382552 (VCV001382552.6), dbSNP rs2123077460, ClinGen allele CA405997663.